The following is an entry in ClinVar:

ClinVar aggregate classification (germline): Likely pathogenic (1 of 4 stars; one submission).

Conditions:
Pyridoxine-dependent epilepsy (EPEO4). Also called: Pyridoxine-Dependent Seizures; PYRIDOXINE DEPENDENCY WITH SEIZURES; EPILEPSY, EARLY-ONSET, 4, VITAMIN B6-DEPENDENT; Pyridoxine-Dependent Epilepsy - ALDH7A1. Identifiers: Orphanet 3006, MedGen C1849508, MONDO:0009945, OMIM 266100. Disease mechanism: loss of function.

Submission:

Labcorp Genetics (formerly Invitae), Labcorp
Classification: Likely pathogenic for Pyridoxine-dependent epilepsy. Last evaluated: 2023-08-18. Review status: criteria provided, single submitter. Criteria: Invitae Variant Classification Sherloc (09022015). Collection method: clinical testing. Allele origin: germline.
Comment: This variant has not been reported in the literature in individuals affected with ALDH7A1-related conditions. In summary, the currently available evidence indicates that the variant is pathogenic, but additional data are needed to prove that conclusively. Therefore, this variant has been classified as Likely Pathogenic. This variant disrupts the p.Arg329 amino acid residue in ALDH7A1. Other variant(s) that disrupt this residue have been determined to be pathogenic (PMID: 31737911; Invitae). This suggests that this residue is clinically significant, and that variants that disrupt this residue are likely to be disease-causing. Advanced modeling of protein sequence and biophysical properties (such as structural, functional, and spatial information, amino acid conservation, physicochemical variation, residue mobility, and thermodynamic stability) performed at Invitae indicates that this missense variant is expected to disrupt ALDH7A1 protein function. This variant is not present in population databases (gnomAD no frequency). This sequence change replaces arginine, which is basic and polar, with tryptophan, which is neutral and slightly polar, at codon 329 of the ALDH7A1 protein (p.Arg329Trp).

Literature cited by the submitters: PubMed 31737911.

NM_001182.5(ALDH7A1):c.985A>T (p.Arg329Trp)

Gene: ALDH7A1 (aldehyde dehydrogenase 7 family member A1; minus strand). Cytogenetic location: 5q23.2.
Variant type: single nucleotide variant.
Coding change: c.985A>T on transcript NM_001182.5 (MANE Select); coding-DNA position 985, A replaced by T.
Protein change: p.Arg329Trp; replaces arginine 329 with tryptophan.
Molecular consequence: missense variant.
Genome position (GRCh38, 1-based): chr5:126,559,263, T>A on the plus strand (A>T on the coding strand, the complement: ALDH7A1 is on the minus strand). VCF-style: chr5-126559263-T-A. GRCh37 (hg19) VCF-style: chr5-125894955-T-A.
Other names: c.901A>T, p.Arg301Trp (NM_001201377.2); c.985A>T, p.Arg329Trp (NM_001202404.2); short protein forms R329W, R301W.
Identifiers: ClinVar variation 2753721 (VCV002753721.3), dbSNP rs2480275642, ClinGen allele CA360726640.